The following is an entry in ClinVar:

ClinVar aggregate classification (germline): Likely pathogenic (1 of 4 stars; one submission).

Submission:

GeneDx
Classification: Likely pathogenic. Last evaluated: 2015-04-18. Review status: criteria provided, single submitter. Criteria: GeneDx Variant Classification (06012015). Collection method: clinical testing. Allele origin: germline. Affected: yes.
Comment: The I268L variant in the SCN8A gene has not been published as a pathogenic variant, nor has it been reported as a benign polymorphism to our knowledge. The I268L variant was not observed in approximately 6400 individuals of European and African American ancestry in the NHLBI Exome Sequencing Project, indicating it is not a common benign variant in these populations. The I268L variant is a conservative amino acid substitution, which is not likely to impact secondary protein structure as these residues share similar properties. However, this substitution occurs at a position that is well-conserved across species. In silico analysis predicts this variant is probably damaging to the protein structure/function. A missense variant in a nearby residue (F260S) has been reported in the Human Gene Mutation Database in association with epileptic encephalopathy (Stenson et al., 2014), supporting the functional importance of this region of the protein. The I268L variant is a strong candidate for a disease-causing variant however, the possibility it may be a rare benign variant cannot be excluded.

NM_001330260.2(SCN8A):c.802A>C (p.Ile268Leu)

Gene: SCN8A (sodium voltage-gated channel alpha subunit 8; plus strand). Cytogenetic location: 12q13.13.
Variant type: single nucleotide variant.
Coding change: c.802A>C on transcript NM_001330260.2 (MANE Select); coding-DNA position 802, A replaced by C.
Protein change: p.Ile268Leu; replaces isoleucine 268 with leucine.
Molecular consequence: missense variant.
Genome position (GRCh38, 1-based): chr12:51,699,665, A>C. VCF-style: chr12-51699665-A-C. GRCh37 (hg19) VCF-style: chr12-52093449-A-C.
Other names: c.802A>C, p.Ile268Leu (NM_001177984.3, NM_001369788.1, NM_014191.4); short protein forms I268L.
Identifiers: ClinVar variation 427189 (VCV000427189.2), dbSNP rs1085308013, ClinGen allele CA385226551.
Genomic context (GRCh38, chr12:51,699,665, plus strand): 5'-GTGAAGAAACTGTCAGATGTGATGATCCTGACAGTGTTCTGCCTGAGTGTTTTTGCCTTG[A>C]TCGGACTGCAGCTGTTCATGGGGAACCTTCGAAACAAGTGTGTTGTGTGGCCCATAAACT-3'
Protein context (NP_001317189.1, residues 258-278): TVFCLSVFAL[Ile268Leu]GLQLFMGNLR